The following is an entry in ClinVar:

NM_024426.6(WT1):c.1196C>G (p.Ala399Gly)

Gene: WT1 (WT1 transcription factor; minus strand). Cytogenetic location: 11p13.
Variant type: single nucleotide variant.
Coding change: c.1196C>G on transcript NM_024426.6 (MANE Select); coding-DNA position 1196, C replaced by G.
Protein change: p.Ala399Gly; replaces alanine 399 with glycine.
Molecular consequence: missense variant. On other transcripts: non-coding transcript variant (1).
Genome position (GRCh38, 1-based): chr11:32,396,325, G>C on the plus strand (C>G on the coding strand, the complement: WT1 is on the minus strand). VCF-style: chr11-32396325-G-C. GRCh37 (hg19) VCF-style: chr11-32417871-G-C.
Other names: c.1145C>G, p.Ala382Gly (NM_000378.6, NM_001407045.1, NM_001407048.1 and 1 more transcripts); c.545C>G, p.Ala182Gly (NM_001198551.2); c.494C>G, p.Ala165Gly (NM_001198552.2); c.8C>G, p.Ala3Gly (NM_001367854.1); c.1190C>G, p.Ala397Gly (NM_001407044.1); c.1196C>G, p.Ala399Gly (NM_001407046.1, NM_024424.5); c.1073C>G, p.Ala358Gly (NM_001407047.1); c.1022C>G, p.Ala341Gly (NM_001407050.1); and 2 more; short protein forms A165G, A3G, A182G, A382G, A399G, A145G, A341G, A394G.
Identifiers: ClinVar variation 840429 (VCV000840429.14), dbSNP rs1590338798, ClinGen allele CA379959915.

ClinVar aggregate classification (germline): Uncertain significance. Review status: criteria provided, multiple submitters, no conflicts (2 of 4 stars). 4 submissions from 4 submitters: Uncertain significance (4). Last evaluated 2025-06-17.

Conditions:
Drash syndrome (DDS). Also called: WILMS TUMOR AND PSEUDO- OR TRUE HERMAPHRODITISM; NEPHROPATHY, WILMS TUMOR, AND GENITAL ANOMALIES. Identifiers: Orphanet 220, MedGen C0950121, MONDO:0008682, OMIM 194080.
Frasier syndrome. Identifiers: Orphanet 347, MedGen C0950122, MeSH D052159, MONDO:0007635, OMIM 136680.
Wilms tumor 1 (WT1). Also called: Wilms tumor, somatic. Identifiers: Orphanet 654, MedGen CN033288, MONDO:0008679, OMIM 194070.
11p partial monosomy syndrome (WAGR). Also called: WAGR Complex; CHROMOSOME 11p13 DELETION SYNDROME; WAGR syndrome; WAGR Spectrum Disorder. Identifiers: Orphanet 893, MedGen C0206115, MONDO:0008681, OMIM 194072.
Inborn genetic diseases. Identifiers: MedGen C0950123, MeSH D030342.

Submissions (4):

St. Jude Molecular Pathology, St. Jude Children's Research Hospital
Classification: Uncertain significance for Wilms tumor 1. Last evaluated: 2025-06-17. Review status: criteria provided, single submitter. Criteria: St. Jude Assertion Criteria 2020. Collection method: clinical testing. Allele origin: germline.
Comment: The WT1 c.1145C>G p.(Ala382Gly) missense change is absent in gnomAD v2.1.1. The in silico tool REVEL predicts a benign effect on protein function, but to our knowledge this prediction has not been confirmed by functional studies. To our knowledge, this variant has not been reported in individuals with WT1-related conditions. In summary, the evidence currently available is insufficient to determine the clinical significance of this variant. It has therefore been classified as of uncertain significance.

Ambry Genetics
Classification: Uncertain significance for Inborn genetic diseases. Last evaluated: 2025-04-01. Review status: criteria provided, single submitter. Criteria: Ambry Variant Classification Scheme 2023. Collection method: clinical testing. Allele origin: germline.
Comment: The p.A394G variant (also known as c.1181C>G), located in coding exon 7 of the WT1 gene, results from a C to G substitution at nucleotide position 1181. The alanine at codon 394 is replaced by glycine, an amino acid with similar properties. This amino acid position is conserved. In addition, this alteration is predicted to be tolerated by in silico analysis. Based on the available evidence, the clinical significance of this variant remains unclear.

All of Us Research Program, National Institutes of Health
Classification: Uncertain significance for Wilms tumor 1. Last evaluated: 2023-04-03. Review status: criteria provided, single submitter. Criteria: ACMG Guidelines, 2015. Collection method: clinical testing. Allele origin: germline. Inheritance: Autosomal dominant inheritance. Observed: 1 variant allele, 1 heterozygote.
Comment: This missense variant replaces alanine with glycine at codon 394 in the WT1 protein. Computational prediction suggests that this variant may not impact protein structure and function (internally defined REVEL score threshold <= 0.5, PMID: 27666373). To our knowledge, functional studies have not been reported for this variant. This variant has not been reported in individuals affected with WT1-related disorders in the literature. This variant has not been identified in the general population by the Genome Aggregation Database (gnomAD). The available evidence is insufficient to determine the role of this variant in disease conclusively. Therefore, this variant is classified as a Variant of Uncertain Significance.

This study involves interpretation of variants in research participants for the purpose of population health screening. Participant phenotype was not available at the time of variant classification. Additional details can be found in publication PMID: 35346344, PMCID: PMC8962531

Labcorp Genetics (formerly Invitae), Labcorp
Classification: Uncertain significance for Wilms tumor 1; Drash syndrome; 11p partial monosomy syndrome; Frasier syndrome. Last evaluated: 2019-04-19. Review status: criteria provided, single submitter. Criteria: Invitae Variant Classification Sherloc (09022015). Collection method: clinical testing. Allele origin: germline.
Comment: This variant has not been reported in the literature in individuals with WT1-related conditions. Algorithms developed to predict the effect of missense changes on protein structure and function are either unavailable or do not agree on the potential impact of this missense change (SIFT: "Deleterious"; PolyPhen-2: "Benign"; Align-GVGD: "Class C55"). In summary, the available evidence is currently insufficient to determine the role of this variant in disease. Therefore, it has been classified as a Variant of Uncertain Significance. This sequence change replaces alanine with glycine at codon 394 of the WT1 protein (p.Ala394Gly). The alanine residue is highly conserved and there is a small physicochemical difference between alanine and glycine. This variant is not present in population databases (ExAC no frequency).